The following is an entry in ClinVar:

ClinVar aggregate classification (germline): Likely benign. Review status: criteria provided, single submitter (1 of 4 stars). 2 submissions from 2 submitters: Likely benign (1). 1 of the submissions does not count toward it. Last evaluated 2025-06-29.

Conditions:
Carnitine acylcarnitine translocase deficiency (CACTD). Identifiers: Orphanet 159, MedGen C0342791, MONDO:0008918, OMIM 212138.
SLC25A20-related disorder. Also called: SLC25A20-related condition.

Allele frequency attached by ClinVar (database versions not stated): ExAC 0.00004; gnomAD 0.00007; ESP Exome Variant Server 0.00008.
gnomAD v4.1: 28 of 1,603,578 alleles (0.0017%); highest among the groups gnomAD compares: African/African-American, 0.036%; no homozygotes.

Submissions (2):

Labcorp Genetics (formerly Invitae), Labcorp
Classification: Likely benign for Carnitine acylcarnitine translocase deficiency. Last evaluated: 2025-06-29. Review status: criteria provided, single submitter. Criteria: Invitae Variant Classification Sherloc (09022015). Collection method: clinical testing. Allele origin: germline.

PreventionGenetics, part of Exact Sciences
Classification: Likely benign for SLC25A20-related condition. Last evaluated: 2023-12-10. Review status: no assertion criteria provided. Collection method: clinical testing. Allele origin: germline. Not counted in ClinVar's aggregate classification.
Comment: This variant is classified as likely benign based on ACMG/AMP sequence variant interpretation guidelines (Richards et al. 2015 PMID: 25741868, with internal and published modifications).

NM_000387.6(SLC25A20):c.99G>A (p.Thr33=)

Gene: SLC25A20 (solute carrier family 25 member 20; minus strand). Cytogenetic location: 3p21.31.
Variant type: single nucleotide variant.
Coding change: c.99G>A on transcript NM_000387.6 (MANE Select); coding-DNA position 99, G replaced by A.
Protein change: p.Thr33=; no amino-acid change (threonine 33 retained).
Molecular consequence: synonymous variant.
Genome position (GRCh38, 1-based): chr3:48,898,696, C>T on the plus strand (G>A on the coding strand, the complement: SLC25A20 is on the minus strand). VCF-style: chr3-48898696-C-T. GRCh37 (hg19) VCF-style: chr3-48936129-C-T.
Other names: c.99G>A (NM_000387.5).
Identifiers: ClinVar variation 2198913 (VCV002198913.6), dbSNP rs139839512, ClinGen allele CA2387515.